The following is an entry in ClinVar:

NM_000890.5(KCNJ5):c.487G>A (p.Glu163Lys)

Gene: KCNJ5 (potassium inwardly rectifying channel subfamily J member 5; plus strand). Cytogenetic location: 11q24.3.
Variant type: single nucleotide variant.
Coding change: c.487G>A on transcript NM_000890.5 (MANE Select); coding-DNA position 487, G replaced by A.
Protein change: p.Glu163Lys; replaces glutamic acid 163 with lysine.
Molecular consequence: missense variant.
Genome position (GRCh38, 1-based): chr11:128,911,760, G>A. VCF-style: chr11-128911760-G-A. GRCh37 (hg19) VCF-style: chr11-128781655-G-A.
Other names: c.487G>A, p.Glu163Lys (NM_001354169.2); short protein forms E163K.
Identifiers: ClinVar variation 1743769 (VCV001743769.2), dbSNP rs1367149022, ClinGen allele CA383248554.

ClinVar aggregate classification (germline): Uncertain significance (1 of 4 stars; one submission).

Conditions:
Cardiovascular phenotype. Identifiers: MedGen CN230736.

Allele frequency attached by ClinVar (database versions not stated): gnomAD exomes below 0.00001; gnomAD 0.00001; TOPMed 0.00001.
gnomAD v4.1: 7 of 1,614,092 alleles (0.00043%); highest among the groups gnomAD compares: African/African-American, 0.0027%; no homozygotes.

Submission:

Ambry Genetics
Classification: Uncertain significance for Cardiovascular phenotype. Last evaluated: 2019-07-31. Review status: criteria provided, single submitter. Criteria: Ambry Variant Classification Scheme 2023. Collection method: clinical testing. Allele origin: germline.
Comment: The p.E163K variant (also known as c.487G>A), located in coding exon 1 of the KCNJ5 gene, results from a G to A substitution at nucleotide position 487. The glutamic acid at codon 163 is replaced by lysine, an amino acid with similar properties. This amino acid position is highly conserved in available vertebrate species. In addition, this alteration is predicted to be deleterious by in silico analysis. Since supporting evidence is limited at this time, the clinical significance of this alteration remains unclear.